The following is an entry in ClinVar:

ClinVar aggregate classification (germline): Uncertain significance (1 of 4 stars; one submission).

Conditions:
APOB-related disorder. Also called: APOB-related disorders; APOB-related condition.

Submission:

PreventionGenetics, part of Exact Sciences
Classification: Uncertain significance for APOB-related condition. Last evaluated: 2023-03-06. Review status: criteria provided, single submitter. Criteria: ACMG Guidelines, 2015. Collection method: clinical testing. Allele origin: germline.
Comment: The APOB c.677C>T variant is predicted to result in the amino acid substitution p.Ala226Val. To our knowledge, this variant has not been reported in the literature or in a large population database, indicating this variant is rare. At this time, the clinical significance of this variant is uncertain due to the absence of conclusive functional and genetic evidence.

NM_000384.3(APOB):c.677C>T (p.Ala226Val)

Gene: APOB (apolipoprotein B; minus strand). Cytogenetic location: 2p24.1.
Variant type: single nucleotide variant.
Coding change: c.677C>T on transcript NM_000384.3 (MANE Select); coding-DNA position 677, C replaced by T.
Protein change: p.Ala226Val; replaces alanine 226 with valine.
Molecular consequence: missense variant.
Genome position (GRCh38, 1-based): chr2:21,037,116, G>A on the plus strand (C>T on the coding strand, the complement: APOB is on the minus strand). VCF-style: chr2-21037116-G-A. GRCh37 (hg19) VCF-style: chr2-21259988-G-A.
Other names: short protein forms A226V.
Identifiers: ClinVar variation 2633821 (VCV002633821.1), dbSNP rs757085999, ClinGen allele CA345961532.
Genomic context (GRCh38, chr2:21,037,116, plus strand): 5'-AGGATGCTCCTTGCTGTGCACGACAGTGCTGACATGGGACTTACCATGCCTTTGATGAGA[G>A]CAAGTGGGCTGATGCCTGTGCGGATGGGCTTGAAGCGATCACACTGCCCCAGGTCTCTTT-3'
Protein context (NP_000375.3, residues 216-236): KPIRTGISPL[Ala226Val]LIKGMTRPLS